The following is an entry in ClinVar:

ClinVar aggregate classification (germline): Benign/Likely benign. Review status: criteria provided, multiple submitters, no conflicts (2 of 4 stars). 5 submissions from 5 submitters: Benign (3); Likely benign (1). 1 of the submissions does not count toward it. Last evaluated 2026-06-01.

Conditions:
MAST1-related disorder. Also called: MAST1-related condition.
Mega-corpus-callosum syndrome with cerebellar hypoplasia and cortical malformations. Identifiers: MedGen C4748927, MONDO:0032648, OMIM 618273.

Allele frequency attached by ClinVar (database versions not stated): 1000 Genomes Project 30x 0.00219; 1000 Genomes Project 0.00260; gnomAD 0.00362 and 0.00368; TOPMed 0.00393; gnomAD exomes 0.00428 and 0.00540; ExAC 0.00430; ESP Exome Variant Server 0.00484.

Submissions (5):

CeGaT Center for Human Genetics Tuebingen
Classification: Benign. Last evaluated: 2026-06-01. Review status: criteria provided, single submitter. Criteria: CeGaT Center For Human Genetics Tuebingen Variant Classification Criteria Version 2. Collection method: clinical testing. Allele origin: germline. Affected: yes. Observed: 18 variant alleles.
Comment: MAST1: BS1, BS2

Labcorp Genetics (formerly Invitae), Labcorp
Classification: Benign. Last evaluated: 2026-01-02. Review status: criteria provided, single submitter. Criteria: Invitae Variant Classification Sherloc (09022015). Collection method: clinical testing. Allele origin: germline.

Fulgent Genetics
Classification: Likely benign for Mega-corpus-callosum syndrome with cerebellar hypoplasia and cortical malformations. Last evaluated: 2022-04-04. Review status: criteria provided, single submitter. Criteria: ACMG Guidelines, 2015. Collection method: clinical testing. Allele origin: unknown.

Breakthrough Genomics
Classification: Benign. Review status: criteria provided, single submitter. Criteria: ACMG Guidelines, 2015. Collection method: not provided. Allele origin: germline. Inheritance: Autosomal dominant inheritance. Affected: yes.

PreventionGenetics, part of Exact Sciences
Classification: Benign for MAST1-related condition. Last evaluated: 2019-05-13. Review status: no assertion criteria provided. Collection method: clinical testing. Allele origin: germline. Not counted in ClinVar's aggregate classification.
Comment: This variant is classified as benign based on ACMG/AMP sequence variant interpretation guidelines (Richards et al. 2015 PMID: 25741868, with internal and published modifications).

NM_014975.3(MAST1):c.1530C>T (p.His510=)

Gene: MAST1 (microtubule associated serine/threonine kinase 1; plus strand). Cytogenetic location: 19p13.13.
Variant type: single nucleotide variant.
Coding change: c.1530C>T on transcript NM_014975.3 (MANE Select); coding-DNA position 1530, C replaced by T.
Protein change: p.His510=; no amino-acid change (histidine 510 retained).
Molecular consequence: synonymous variant.
Genome position (GRCh38, 1-based): chr19:12,865,070, C>T. VCF-style: chr19-12865070-C-T. GRCh37 (hg19) VCF-style: chr19-12975884-C-T.
Identifiers: ClinVar variation 773773 (VCV000773773.35), dbSNP rs35952311, ClinGen allele CA9232924.